The following is an entry in ClinVar:

NM_001386298.1(CIC):c.6073C>T (p.Pro2025Ser)

Gene: CIC (capicua transcriptional repressor; plus strand). Cytogenetic location: 19q13.2.
Variant type: single nucleotide variant.
Coding change: c.6073C>T on transcript NM_001386298.1 (MANE Select); coding-DNA position 6073, C replaced by T.
Protein change: p.Pro2025Ser; replaces proline 2025 with serine.
Molecular consequence: missense variant.
Genome position (GRCh38, 1-based): chr19:42,292,736, C>T. VCF-style: chr19-42292736-C-T. GRCh37 (hg19) VCF-style: chr19-42796888-C-T.
Other names: c.6073C>T, p.Pro2025Ser (NM_001304815.2, NM_001379480.1, NM_001379482.1 and 1 more transcripts); c.3346C>T, p.Pro1116Ser (NM_001379484.1, NM_001379485.1, NM_015125.5); short protein forms P1116S, P2025S.
Identifiers: ClinVar variation 2662556 (VCV002662556.1), dbSNP rs576577676, ClinGen allele CA406116167.

ClinVar aggregate classification (germline): Uncertain significance (1 of 4 stars; one submission).

gnomAD v4.1: 2 of 1,613,714 alleles (0.00012%); highest among the groups gnomAD compares: African/African-American, 0.0013%; no homozygotes.

Submission:

GeneDx
Classification: Uncertain significance. Last evaluated: 2023-04-12. Review status: criteria provided, single submitter. Criteria: GeneDx Variant Classification Process June 2021. Collection method: clinical testing. Allele origin: germline. Affected: yes.
Comment: Not observed at significant frequency in large population cohorts (gnomAD); In silico analysis supports that this missense variant does not alter protein structure/function; Has not been previously published as pathogenic or benign to our knowledge